The following is an entry in ClinVar:

ClinVar aggregate classification (germline): Conflicting classifications of pathogenicity. Review status: criteria provided, conflicting classifications (1 of 4 stars). 4 submissions from 4 submitters: Likely pathogenic (1); Uncertain significance (3). Last evaluated 2026-02-25.

Conditions:
Inborn genetic diseases. Identifiers: MedGen C0950123, MeSH D030342.
Autosomal recessive nonsyndromic hearing loss 12. Also called: DEAFNESS, AUTOSOMAL RECESSIVE 12. Identifiers: Orphanet 90636, MedGen C1832394, MONDO:0011067, OMIM 601386.

Submissions (4):

GeneDx
Classification: Uncertain significance. Last evaluated: 2026-02-25. Review status: criteria provided, single submitter. Criteria: GeneDx Variant Classification Process June 2021. Collection method: clinical testing. Allele origin: germline.
Comment: In silico analysis supports that this missense variant has a deleterious effect on protein structure/function; Has not been previously published as pathogenic or benign to our knowledge

Institute of Rare Diseases, West China Hospital, Sichuan University
Classification: Likely pathogenic for Autosomal recessive nonsyndromic hearing loss 12. Last evaluated: 2025-01-09. Review status: criteria provided, single submitter. Criteria: ClinGen HL ACMG Specifications v1. Collection method: research. Allele origin: germline. Affected: yes.
Comment: PM3_Strong;PM2_Supporting;PP3

Ambry Genetics
Classification: Uncertain significance for Inborn genetic diseases. Last evaluated: 2024-11-14. Review status: criteria provided, single submitter. Criteria: Ambry Variant Classification Scheme 2023. Collection method: clinical testing. Allele origin: germline.

Labcorp Genetics (formerly Invitae), Labcorp
Classification: Uncertain significance. Last evaluated: 2023-07-07. Review status: criteria provided, single submitter. Criteria: Invitae Variant Classification Sherloc (09022015). Collection method: clinical testing. Allele origin: germline.
Comment: This missense change has been observed in individual(s) with CDH23-related conditions (Invitae). This variant is present in population databases (rs753985914, gnomAD 0.01%). This sequence change replaces glutamic acid, which is acidic and polar, with lysine, which is basic and polar, at codon 196 of the CDH23 protein (p.Glu196Lys). ClinVar contains an entry for this variant (Variation ID: 1504538). In summary, the available evidence is currently insufficient to determine the role of this variant in disease. Therefore, it has been classified as a Variant of Uncertain Significance. Advanced modeling of protein sequence and biophysical properties (such as structural, functional, and spatial information, amino acid conservation, physicochemical variation, residue mobility, and thermodynamic stability) has been performed at Invitae for this missense variant, however the output from this modeling did not meet the statistical confidence thresholds required to predict the impact of this variant on CDH23 protein function.

NM_022124.6(CDH23):c.586G>A (p.Glu196Lys)

Gene: CDH23 (cadherin related 23; plus strand). Cytogenetic location: 10q22.1.
Variant type: single nucleotide variant.
Coding change: c.586G>A on transcript NM_022124.6 (MANE Select); coding-DNA position 586, G replaced by A.
Protein change: p.Glu196Lys; replaces glutamic acid 196 with lysine.
Molecular consequence: missense variant.
Genome position (GRCh38, 1-based): chr10:71,566,898, G>A. VCF-style: chr10-71566898-G-A. GRCh37 (hg19) VCF-style: chr10-73326655-G-A.
Other names: c.586G>A (NM_022124.5); c.586G>A, p.Glu196Lys (NM_001171930.2, NM_001171931.2, NM_001171932.2 and 1 more transcripts); short protein forms E196K.
Identifiers: ClinVar variation 1504538 (VCV001504538.9), dbSNP rs753985914, ClinGen allele CA5543479.